The following is an entry in ClinVar:

ClinVar aggregate classification (germline): Uncertain significance (1 of 4 stars; one submission).

Conditions:
2-aminoadipic 2-oxoadipic aciduria (AAKAD). Also called: ALPHA-AMINOADIPIC AND ALPHA-KETOADIPIC ACIDURIA; Aminoadipic aciduria. Identifiers: Orphanet 79154, MedGen C1859817, MONDO:0008774, OMIM 204750.

Submission:

Labcorp Genetics (formerly Invitae), Labcorp
Classification: Uncertain significance for 2-aminoadipic 2-oxoadipic aciduria. Last evaluated: 2024-01-02. Review status: criteria provided, single submitter. Criteria: Invitae Variant Classification Sherloc (09022015). Collection method: clinical testing. Allele origin: germline.
Comment: This variant results in a copy number gain of the genomic region encompassing exon(s) 1-14 of the DHTKD1 gene. This region includes the initiator codon of the gene. This copy number gain extends beyond the assayed region for this gene and therefore may encompass additional genes. As the precise location of this event is unknown, it may be in tandem or it may be located elsewhere in the genome. This variant has not been reported in the literature in individuals affected with DHTKD1-related conditions. In summary, the available evidence is currently insufficient to determine the role of this variant in disease. Therefore, it has been classified as a Variant of Uncertain Significance.

NC_000010.10:g.(?_12111033)_(12159774_?)dup

Gene: DHTKD1 (dehydrogenase E1 and transketolase domain containing 1; plus strand). Cytogenetic location: 10p14.
Variant type: Duplication.
Identifiers: ClinVar variation 1450757 (VCV001450757.6).